The following is an entry in ClinVar:

NM_024675.4(PALB2):c.3350+2C>A

Gene: PALB2 (partner and localizer of BRCA2; minus strand). Cytogenetic location: 16p12.2.
Variant type: single nucleotide variant.
Coding change: c.3350+2C>A on transcript NM_024675.4 (MANE Select); the canonical splice donor site of the intron after coding-DNA position 3350, C replaced by A.
Molecular consequence: splice donor variant. On other transcripts: intron variant (8).
Genome position (GRCh38, 1-based): chr16:23,607,862, G>T on the plus strand (C>A on the coding strand, the complement: PALB2 is on the minus strand). VCF-style: chr16-23607862-G-T. GRCh37 (hg19) VCF-style: chr16-23619183-G-T.
Other names: c.2229-4193C>A (NM_001407308.1, NM_001407309.1); c.2465+2C>A (NM_001407306.1, NM_001407305.1, NM_001407304.1); c.884+2C>A (NM_001407314.1); c.1414-4193C>A (NM_001407313.1); c.1562+2C>A (NM_001407312.1); c.3290+2C>A (NM_001407296.1); c.3278+2C>A (NM_001407297.1); c.3040-4193C>A (NM_001407302.1); and 6 more.
Identifiers: ClinVar variation 2673828 (VCV002673828.2), dbSNP rs1555458171, ClinGen allele CA395139184.

ClinVar aggregate classification (germline): Likely pathogenic. Review status: criteria provided, multiple submitters, no conflicts (2 of 4 stars). 2 submissions from 2 submitters: Likely pathogenic (2). Last evaluated 2023-12-12.

Conditions:
Hereditary cancer-predisposing syndrome. Also called: Tumor predisposition; Hereditary neoplastic syndrome; Neoplastic Syndromes, Hereditary; Hereditary Cancer Syndrome. Identifiers: Orphanet 140162, MedGen C0027672, MeSH D009386, MONDO:0015356.
Familial cancer of breast. Also called: Hereditary breast cancer; BREAST CANCER, FAMILIAL; hereditary breast carcinoma. Identifiers: Orphanet 227535, MedGen C0346153, MONDO:0016419, OMIM 114480. Disease mechanism: loss of function.

Submissions (2):

Color Diagnostics, LLC DBA Color Health
Classification: Likely pathogenic for Hereditary cancer-predisposing syndrome. Last evaluated: 2023-12-12. Review status: criteria provided, single submitter. Criteria: ACMG Guidelines, 2015. Collection method: clinical testing. Allele origin: germline.
Comment: This variant causes a C to A nucleotide substitution at the +2 position of intron 12 of the PALB2 gene. Splice site prediction tool predicts that this variant may have a significant impact on RNA splicing. Two different substitutions, c.3350+1G>A and c.3350+5G>A, that are similarly predicted to weaken or disrupt this donor site have been reported to cause the out-of-frame skipping of exon 12 and the predicted disruption to the functionally important WD40 domain in the variant PALB2 protein (PMID: 30890586, 32238468, 34846068). To our knowledge, this variant has not been reported in individuals affected with PALB2-associated disorder in the literature. However, c.3350+2C>G and c.3350+1G>A, have been reported as (likely) disease-causing in ClinVar (variation ID: 219641, 492218), and c.3350+5G>A has been reported in a homozygous carrier affected with Fanconi anemia (PMID: 32238468). This variant has not been identified in the general population by the Genome Aggregation Database (gnomAD). Based on the available evidence, this variant is classified as Likely Pathogenic.

Myriad Genetics, Inc.
Classification: Likely pathogenic for Familial cancer of breast. Last evaluated: 2023-09-15. Review status: criteria provided, single submitter. Criteria: Myriad Autosomal Dominant, Autosomal Recessive and X-Linked Classification Criteria (2023). Collection method: clinical testing. Allele origin: unknown.
Comment: This variant is considered likely pathogenic. This variant occurs within a consensus splice junction and is predicted to result in abnormal mRNA splicing of either an out-of-frame exon or an in-frame exon necessary for protein stability and/or normal function.

Literature cited by the submitters: PubMed 30890586 (cited by Color Diagnostics, LLC DBA Color Health); PubMed 32238468 (cited by Color Diagnostics, LLC DBA Color Health); PubMed 34846068 (cited by Color Diagnostics, LLC DBA Color Health).